The following is an entry in ClinVar:

NM_004393.6(DAG1):c.43G>T (p.Gly15Trp)

Gene: DAG1 (dystroglycan 1; plus strand). Cytogenetic location: 3p21.31.
Variant type: single nucleotide variant.
Coding change: c.43G>T on transcript NM_004393.6 (MANE Select); coding-DNA position 43, G replaced by T.
Protein change: p.Gly15Trp; replaces glycine 15 with tryptophan.
Molecular consequence: missense variant.
Genome position (GRCh38, 1-based): chr3:49,510,577, G>T. VCF-style: chr3-49510577-G-T. GRCh37 (hg19) VCF-style: chr3-49548010-G-T.
Other names: c.43G>T, p.Gly15Trp (NM_001165928.4, NM_001177634.3, NM_001177635.3 and 9 more transcripts); short protein forms G15W.
Identifiers: ClinVar variation 1500239 (VCV001500239.6), dbSNP rs2107646938, ClinGen allele CA352800040.

ClinVar aggregate classification (germline): Uncertain significance (1 of 4 stars; one submission).

Conditions:
Muscular dystrophy-dystroglycanopathy (congenital with brain and eye anomalies), type A9. Also called: WALKER-WARBURG SYNDROME OR MUSCLE-EYE BRAIN DISEASE, DAG1-RELATED; Muscular dystrophy-dystroglycanopathy (congenital with brain and eye anomalies), type a, 9. Identifiers: Orphanet 370997, Orphanet 899, MedGen C4225291, MONDO:0014683, OMIM 616538.
Autosomal recessive limb-girdle muscular dystrophy type 2P. Also called: MUSCULAR DYSTROPHY, LIMB-GIRDLE, TYPE 2P; MUSCULAR DYSTROPHY-DYSTROGLYCANOPATHY, LIMB-GIRDLE, DAG1-RELATED; Limb-Girdle Muscular Dystrophy Type 9C. Identifiers: Orphanet 280333, MedGen C4511963, MONDO:0013440, OMIM 613818.

Allele frequency attached by ClinVar (database versions not stated): gnomAD exomes below 0.00001.
gnomAD v4.1: 4 of 1,613,896 alleles (0.00025%); highest among the groups gnomAD compares: African/African-American, 0.0027%; no homozygotes.

Submission:

Labcorp Genetics (formerly Invitae), Labcorp
Classification: Uncertain significance for Autosomal recessive limb-girdle muscular dystrophy type 2P; Muscular dystrophy-dystroglycanopathy (congenital with brain and eye anomalies), type A9. Last evaluated: 2023-08-04. Review status: criteria provided, single submitter. Criteria: Invitae Variant Classification Sherloc (09022015). Collection method: clinical testing. Allele origin: germline.
Comment: This sequence change replaces glycine, which is neutral and non-polar, with tryptophan, which is neutral and slightly polar, at codon 15 of the DAG1 protein (p.Gly15Trp). This variant is not present in population databases (gnomAD no frequency). This variant has not been reported in the literature in individuals affected with DAG1-related conditions. ClinVar contains an entry for this variant (Variation ID: 1500239). An algorithm developed to predict the effect of missense changes on protein structure and function (PolyPhen-2) suggests that this variant is likely to be disruptive. In summary, the available evidence is currently insufficient to determine the role of this variant in disease. Therefore, it has been classified as a Variant of Uncertain Significance.